The following is an entry in ClinVar:

NM_007294.4(BRCA1):c.5152+5_5152+10dup

Gene: BRCA1 (BRCA1 DNA repair associated; minus strand). Cytogenetic location: 17q21.31.
Variant type: Duplication.
Coding change: c.5152+5_5152+10dup on transcript NM_007294.4 (MANE Select); bases 5 to 10 of the intron after coding-DNA position 5152, 6 bases duplicated (GTATAA; older notation c.5152+5_5152+10dupGTATAA).
Molecular consequence: splice donor variant. On other transcripts: intron variant (2).
Genome position (GRCh38, 1-based): chr17:43,063,864-43,063,869, TTATAC duplicated on the plus strand (GTATAA on the coding strand, the reverse complement: BRCA1 is on the minus strand); duplicating any 6 consecutive bases within chr17:43,063,864-43,063,872 gives the same sequence; the c. name uses the placement nearest the transcript's 3' end. VCF-style (leftmost placement, unchanged base first): chr17-43063863-A-ATTATAC. GRCh37 (hg19) VCF-style: chr17-41215880-A-ATTATAC.
Other names: c.1840+5_1840+10dup (NM_001407982.1, NM_001407980.1, NM_001407993.1 and 12 more transcripts); c.1909+5_1909+10dup (NM_001407970.1, NM_001407971.1); c.5149+5_5149+10dup (NM_001407621.1, NM_001407610.1, NM_001407613.1 and 17 more transcripts); c.5152+5_5152+10dup (NM_001407593.1, NM_001407603.1, NM_001407854.1 and 7 more transcripts); c.1768+5_1768+10dup (NM_001408410.1); c.5008+5_5008+10dup (NM_001407741.1, NM_001407747.1, NM_001407745.1 and 21 more transcripts); c.1762+5_1762+10dup (NM_001408415.1, NM_001408412.1, NM_001408413.1 and 2 more transcripts); c.1630+5_1630+10dup (NM_001408483.1, NM_001408491.1, NM_001408481.1 and 5 more transcripts); and 74 more.
Identifiers: ClinVar variation 2873365 (VCV002873365.5), dbSNP rs2549467189, ClinGen allele CA2739265595.

ClinVar aggregate classification (germline): Conflicting classifications of pathogenicity. Review status: criteria provided, conflicting classifications (1 of 4 stars). 2 submissions from 2 submitters: Uncertain significance (1); Likely benign (1). Last evaluated 2026-03-03.

Conditions:
Hereditary cancer-predisposing syndrome. Also called: Tumor predisposition; Neoplastic Syndromes, Hereditary; Hereditary Cancer Syndrome; Hereditary neoplastic syndrome. Identifiers: Orphanet 140162, MedGen C0027672, MeSH D009386, MONDO:0015356.
Hereditary breast ovarian cancer syndrome. Also called: Hereditary breast and ovarian cancer syndrome; Hereditary breast and ovarian cancer; Hereditary breast and/or ovarian cancer syndrome; BRCA1- and BRCA2-Associated Hereditary Breast and Ovarian Cancer; Breast and ovarian cancer; Hereditary breast and ovarian cancer syndrome (HBOC). Identifiers: Orphanet 145, MedGen C0677776, MeSH D061325, MONDO:0003582. Disease mechanism: loss of function.

Submissions (2):

Ambry Genetics
Classification: Uncertain significance for Hereditary cancer-predisposing syndrome. Last evaluated: 2026-03-03. Review status: criteria provided, single submitter. Criteria: Ambry Variant Classification Scheme 2023. Collection method: clinical testing. Allele origin: germline.
Comment: The c.5152+5_5152+10dupGTATAA intronic variant begins 5 nucleotides after coding exon 16 in the BRCA1 gene. This variant results from a duplication of 6 nucleotides at positions c.5152+5 to c.5152+10. The nucleotide region involving this alteration is well conserved in available vertebrate species. In silico splice site analysis for this alteration is inconclusive, and direct evidence is insufficient at this time (Ambry internal data). Based on the available evidence, the clinical significance of this variant remains unclear.

Labcorp Genetics (formerly Invitae), Labcorp
Classification: Likely benign for Hereditary breast ovarian cancer syndrome. Last evaluated: 2023-08-08. Review status: criteria provided, single submitter. Criteria: Invitae Variant Classification Sherloc (09022015). Collection method: clinical testing. Allele origin: germline.